The following is an entry in ClinVar:

ClinVar aggregate classification (germline): Uncertain significance (1 of 4 stars; one submission).

Conditions:
Duchenne muscular dystrophy (DMD). Also called: MUSCULAR DYSTROPHY, PSEUDOHYPERTROPHIC PROGRESSIVE, DUCHENNE TYPE; Duchenne Muscular Dystrophy (DMD). Identifiers: Orphanet 98896, MedGen C0013264, MONDO:0010679, OMIM 310200.

Allele frequency attached by ClinVar (database versions not stated): gnomAD exomes below 0.00001.

Submission:

Labcorp Genetics (formerly Invitae), Labcorp
Classification: Uncertain significance for Duchenne muscular dystrophy. Last evaluated: 2024-11-05. Review status: criteria provided, single submitter. Criteria: Invitae Variant Classification Sherloc (09022015). Collection method: clinical testing. Allele origin: germline.
Comment: This variant, c.10655_10663del, is a complex sequence change that results in the deletion of 4 and insertion of 1 amino acid(s) in the DMD protein (p.Ser3552_Asp3555delinsAsn). This variant is not present in population databases (gnomAD no frequency). This variant has not been reported in the literature in individuals affected with DMD-related conditions. ClinVar contains an entry for this variant (Variation ID: 2995752). Experimental studies and prediction algorithms are not available or were not evaluated, and the functional significance of this variant is currently unknown. In summary, the available evidence is currently insufficient to determine the role of this variant in disease. Therefore, it has been classified as a Variant of Uncertain Significance.

NM_004006.3(DMD):c.10655_10663del (p.Ser3552_Asp3555delinsAsn)

Gene: DMD (dystrophin; minus strand). Cytogenetic location: Xp21.2.
Variant type: Deletion.
Coding change: c.10655_10663del on transcript NM_004006.3 (MANE Select); coding-DNA positions 10655 to 10663, 9 bases deleted (GTCCCCGGG; older notation c.10655_10663delGTCCCCGGG).
Protein change: p.Ser3552_Asp3555delinsAsn.
Molecular consequence: inframe indel.
Genome position (GRCh38, 1-based): chrX:31,147,409-31,147,417, CCCGGGGAC deleted on the plus strand (GTCCCCGGG on the coding strand, the reverse complement: DMD is on the minus strand). VCF-style (leftmost placement, unchanged base first): chrX-31147408-TCCCGGGGAC-T. GRCh37 (hg19) VCF-style: chrX-31165525-TCCCGGGGAC-T.
Other names: c.10631_10639del, p.Ser3544_Asp3547delinsAsn (NM_000109.4); c.10643_10651del, p.Ser3548_Asp3551delinsAsn (NM_004009.3); c.10286_10294del, p.Ser3429_Asp3432delinsAsn (NM_004010.3); c.6632_6640del, p.Ser2211_Asp2214delinsAsn (NM_004011.4); c.6623_6631del, p.Ser2208_Asp2211delinsAsn (NM_004012.4); c.3275_3283del, p.Ser1092_Asp1095delinsAsn (NM_004013.3, NM_004021.3); c.2468_2476del, p.Ser823_Asp826delinsAsn (NM_004014.3); c.1451_1459del, p.Ser484_Asp487delinsAsn (NM_004015.3, NM_004016.3); and 3 more.
Identifiers: ClinVar variation 2995752 (VCV002995752.3), dbSNP rs2519442233, ClinGen allele CA2579578499.